The following is an entry in ClinVar:

ClinVar aggregate classification (germline): Likely benign. Review status: criteria provided, multiple submitters, no conflicts (2 of 4 stars). 3 submissions from 3 submitters: Likely benign (3). Last evaluated 2025-10-23.

Conditions:
Congenital myasthenic syndrome 8. Also called: Myasthenic syndrome, congenital, 8, with pre- and postsynaptic defects; MYASTHENIC SYNDROME, CONGENITAL, DUE TO AGRIN DEFICIENCY. Identifiers: Orphanet 590, MedGen C3808739, MONDO:0014052, OMIM 615120.

Allele frequency attached by ClinVar (database versions not stated): ESP Exome Variant Server 0.00008; gnomAD 0.00011 and 0.00012; gnomAD exomes 0.00013; TOPMed 0.00013; ExAC 0.00031.
gnomAD v4.1: 673 of 1,603,230 alleles (0.042%); highest among the groups gnomAD compares: Middle Eastern, 0.092%; 3 homozygotes.

Submissions (3):

Mayo Clinic Laboratories, Mayo Clinic
Classification: Likely benign. Last evaluated: 2025-10-23. Review status: criteria provided, single submitter. Criteria: ACMG Guidelines, 2015. Collection method: clinical testing. Allele origin: germline. Observed: 1 variant allele.
Comment: BP4, BP7

Labcorp Genetics (formerly Invitae), Labcorp
Classification: Likely benign for Congenital myasthenic syndrome 8. Last evaluated: 2025-10-02. Review status: criteria provided, single submitter. Criteria: Invitae Variant Classification Sherloc (09022015). Collection method: clinical testing. Allele origin: germline.

Breakthrough Genomics
Classification: Likely benign. Review status: criteria provided, single submitter. Criteria: ACMG Guidelines, 2015. Collection method: not provided. Allele origin: germline. Inheritance: Autosomal recessive inheritance. Affected: yes.

NM_198576.4(AGRN):c.5925C>T (p.Thr1975=)

Gene: AGRN (agrin; plus strand). Cytogenetic location: 1p36.33.
Variant type: single nucleotide variant.
Coding change: c.5925C>T on transcript NM_198576.4 (MANE Select); coding-DNA position 5925, C replaced by T.
Protein change: p.Thr1975=; no amino-acid change (threonine 1975 retained).
Molecular consequence: synonymous variant.
Genome position (GRCh38, 1-based): chr1:1,054,496, C>T. VCF-style: chr1-1054496-C-T. GRCh37 (hg19) VCF-style: chr1-989876-C-T.
Other names: p.Thr1975=; c.5994C>T, p.Thr1998= (NM_001305275.2); c.5622C>T, p.Thr1874= (NM_001364727.2).
Identifiers: ClinVar variation 1085734 (VCV001085734.11), dbSNP rs376944871, ClinGen allele CA510279.